The following is an entry in ClinVar:

NM_017534.6(MYH2):c.1305C>T (p.Tyr435=)

Genes: MYH2 (myosin heavy chain 2; minus strand), MYHAS (myosin heavy chain gene cluster antisense RNA; plus strand). Cytogenetic location: 17p13.1.
Variant type: single nucleotide variant.
Coding change: c.1305C>T on transcript NM_017534.6 (MANE Select); coding-DNA position 1305, C replaced by T.
Protein change: p.Tyr435=; no amino-acid change (tyrosine 435 retained).
Molecular consequence: synonymous variant.
Genome position (GRCh38, 1-based): chr17:10,539,316, G>A on the plus strand (C>T on the coding strand, the complement: MYH2 is on the minus strand). VCF-style: chr17-10539316-G-A. GRCh37 (hg19) VCF-style: chr17-10442633-G-A.
Other names: c.1305C>T (NM_017534.5); c.1305C>T, p.Tyr435= (NM_001100112.2).
Identifiers: ClinVar variation 1545199 (VCV001545199.10), dbSNP rs539415599, ClinGen allele CA8391392.

ClinVar aggregate classification (germline): Likely benign. Review status: criteria provided, single submitter (1 of 4 stars). 2 submissions from 2 submitters: Likely benign (1). 1 of the submissions does not count toward it. Last evaluated 2025-08-18.

Conditions:
MYH2-related disorder. Also called: MYH2-related condition.
Myopathy, proximal, and ophthalmoplegia (CMYO6). Also called: INCLUSION BODY MYOPATHY 3, AUTOSOMAL DOMINANT; CONGENITAL MYOPATHY 6 WITH OPHTHALMOPLEGIA; MYOPATHY WITH CONGENITAL JOINT CONTRACTURES, OPHTHALMOPLEGIA, AND RIMMED VACUOLES. Identifiers: Orphanet 363677, Orphanet 79091, MedGen C1854106, MONDO:0011577, OMIM 605637.

Allele frequency attached by ClinVar (database versions not stated): ExAC 0.00006; gnomAD exomes 0.00008 and 0.00012; 1000 Genomes Project 0.00020; TOPMed 0.00023; gnomAD 0.00025 and 0.00027; 1000 Genomes Project 30x 0.00031.
gnomAD v4.1: 153 of 1,614,174 alleles (0.0095%); highest among the groups gnomAD compares: Admixed American, 0.093%; no homozygotes.

Submissions (2):

Labcorp Genetics (formerly Invitae), Labcorp
Classification: Likely benign for Myopathy, proximal, and ophthalmoplegia. Last evaluated: 2025-08-18. Review status: criteria provided, single submitter. Criteria: Invitae Variant Classification Sherloc (09022015). Collection method: clinical testing. Allele origin: germline.

PreventionGenetics, part of Exact Sciences
Classification: Likely benign for MYH2-related condition. Last evaluated: 2023-05-10. Review status: no assertion criteria provided. Collection method: clinical testing. Allele origin: germline. Not counted in ClinVar's aggregate classification.
Comment: This variant is classified as likely benign based on ACMG/AMP sequence variant interpretation guidelines (Richards et al. 2015 PMID: 25741868, with internal and published modifications).